The following is an entry in ClinVar:

NM_004415.4(DSP):c.6526G>C (p.Val2176Leu)

Gene: DSP (desmoplakin; plus strand). Cytogenetic location: 6p24.3.
Variant type: single nucleotide variant.
Coding change: c.6526G>C on transcript NM_004415.4 (MANE Select); coding-DNA position 6526, G replaced by C.
Protein change: p.Val2176Leu; replaces valine 2176 with leucine.
Molecular consequence: missense variant.
Genome position (GRCh38, 1-based): chr6:7,583,788, G>C. VCF-style: chr6-7583788-G-C. GRCh37 (hg19) VCF-style: chr6-7584021-G-C.
Other names: c.4729G>C, p.Val1577Leu (NM_001008844.3); c.5197G>C, p.Val1733Leu (NM_001319034.2); c.6526G>C (LRG_423t1); short protein forms V2176L, V1577L, V1733L.
Identifiers: ClinVar variation 663678 (VCV000663678.1), dbSNP rs746533703, ClinGen allele CA047906.

ClinVar aggregate classification (germline): Uncertain significance (1 of 4 stars; one submission).

Conditions:
Arrhythmogenic cardiomyopathy with wooly hair and keratoderma. Also called: Dilated cardiomyopathy with woolly hair and keratoderma; Arrhythmogenic cardiomyopathy with woolly hair and keratoderma; Carvajal syndrome; PALMOPLANTAR KERATODERMA WITH LEFT VENTRICULAR CARDIOMYOPATHY AND WOOLLY HAIR. Identifiers: Orphanet 65282, MedGen C1854063, MONDO:0011581, OMIM 605676.
Arrhythmogenic right ventricular dysplasia 8 (ARVD8). Also called: Arrhythmogenic Right Ventricular Dysplasia/Cardiomyopathy 8; ARRHYTHMOGENIC RIGHT VENTRICULAR CARDIOMYOPATHY 8; ARRHYTHMOGENIC RIGHT VENTRICULAR DYSPLASIA, FAMILIAL, 8. Identifiers: MedGen C1843896, MONDO:0011831, OMIM 607450.

Submission:

Labcorp Genetics (formerly Invitae), Labcorp
Classification: Uncertain significance for Dilated cardiomyopathy with woolly hair and keratoderma; Arrhythmogenic right ventricular cardiomyopathy, type 8. Last evaluated: 2018-09-19. Review status: criteria provided, single submitter. Criteria: Invitae Variant Classification Sherloc (09022015). Collection method: clinical testing. Allele origin: germline.
Comment: This sequence change replaces valine with leucine at codon 2176 of the DSP protein (p.Val2176Leu). The valine residue is weakly conserved and there is a small physicochemical difference between valine and leucine. This variant is present in population databases (rs746533703, ExAC 0.001%). This variant has not been reported in the literature in individuals with DSP-related disease. Algorithms developed to predict the effect of missense changes on protein structure and function (SIFT, PolyPhen-2, Align-GVGD) all suggest that this variant is likely to be tolerated, but these predictions have not been confirmed by published functional studies and their clinical significance is uncertain. In summary, the available evidence is currently insufficient to determine the role of this variant in disease. Therefore, it has been classified as a Variant of Uncertain Significance.